The following is an entry in ClinVar:

ClinVar aggregate classification (germline): Uncertain significance. Review status: criteria provided, multiple submitters, no conflicts (2 of 4 stars). 2 submissions from 2 submitters: Uncertain significance (2). Last evaluated 2024-02-27.

Conditions:
Inborn genetic diseases. Identifiers: MedGen C0950123, MeSH D030342.

Allele frequency attached by ClinVar (database versions not stated): gnomAD exomes 0.00003 and 0.00004; TOPMed 0.00004; ExAC 0.00005; gnomAD 0.00005 and 0.00006.
gnomAD v4.1: 48 of 1,610,712 alleles (0.003%); highest among the groups gnomAD compares: Non-Finnish European, 0.0036%; no homozygotes.

Submissions (2):

Ambry Genetics
Classification: Uncertain significance for Inborn genetic diseases. Last evaluated: 2024-02-27. Review status: criteria provided, single submitter. Criteria: Ambry Variant Classification Scheme 2023. Collection method: clinical testing. Allele origin: germline.

CeGaT Center for Human Genetics Tuebingen
Classification: Uncertain significance. Last evaluated: 2022-10-01. Review status: criteria provided, single submitter. Criteria: CeGaT Center For Human Genetics Tuebingen Variant Classification Criteria Version 2. Collection method: clinical testing. Allele origin: germline. Affected: yes. Observed: 2 variant alleles.
Comment: MSTO1: PP2, BP4

NM_018116.4(MSTO1):c.1385T>A (p.Met462Lys)

Gene: MSTO1 (misato mitochondrial distribution and morphology regulator 1; plus strand). Cytogenetic location: 1q22.
Variant type: single nucleotide variant.
Coding change: c.1385T>A on transcript NM_018116.4 (MANE Select); coding-DNA position 1385, T replaced by A.
Protein change: p.Met462Lys; replaces methionine 462 with lysine.
Molecular consequence: missense variant. On other transcripts: non-coding transcript variant (6).
Genome position (GRCh38, 1-based): chr1:155,613,563, T>A. VCF-style: chr1-155613563-T-A. GRCh37 (hg19) VCF-style: chr1-155583354-T-A.
Other names: c.1385T>A (NM_018116.2); c.1385T>A, p.Met462Lys (NM_001256532.1, NM_001256533.1, NM_001350772.1 and 1 more transcripts); c.1422T>A, p.His474Gln (NM_001350773.1, NM_001350774.1); c.1220T>A, p.Met407Lys (NM_001350776.1); c.854T>A, p.Met285Lys (NM_001350777.1, NM_001350778.1, NM_001350779.1); c.851T>A, p.Met284Lys (NM_001350780.1, NM_001350781.1, NM_001350782.1 and 2 more transcripts); c.842T>A, p.Met281Lys (NM_001350784.1, NM_001350785.1, NM_001350787.1 and 1 more transcripts); c.888T>A, p.His296Gln (NM_001350786.1); short protein forms H296Q, H474Q, M281K, M284K, M285K, M407K, M462K.
Identifiers: ClinVar variation 1176210 (VCV001176210.36), dbSNP rs769513045, ClinGen allele CA1148206.
Genomic context (GRCh38, chr1:155,613,563, plus strand): 5'-CATGTACCACTGGGGAAGAAATCTTGGCTCAGTATTTACAACAGCAGCAGCCTGGAGTCA[T>A]GAGGTCAGTGTAACGGTTGCTCCTGCCCTTCTTGCCAACCGCAACCCTCCCTTGACTTCT-3'
Protein context (NP_060586.2, residues 452-472): QYLQQQQPGV[Met462Lys]SSSHLLLTPC